The following is an entry in ClinVar:

NM_001458.5(FLNC):c.2064T>G (p.Ala688=)

Gene: FLNC (filamin C; plus strand). Cytogenetic location: 7q32.1.
Variant type: single nucleotide variant.
Coding change: c.2064T>G on transcript NM_001458.5 (MANE Select); coding-DNA position 2064, T replaced by G.
Protein change: p.Ala688=; no amino-acid change (alanine 688 retained).
Molecular consequence: synonymous variant.
Genome position (GRCh38, 1-based): chr7:128,841,510, T>G. VCF-style: chr7-128841510-T-G. GRCh37 (hg19) VCF-style: chr7-128481564-T-G.
Other names: c.2064T>G, p.Ala688= (NM_001127487.2).
Identifiers: ClinVar variation 510526 (VCV000510526.13), dbSNP rs773444538, ClinGen allele CA4474581.

ClinVar aggregate classification (germline): Likely benign. Review status: criteria provided, multiple submitters, no conflicts (2 of 4 stars). 4 submissions from 4 submitters: Likely benign (4). Last evaluated 2026-01-20.

Conditions:
FLNC-related disorder. Also called: FLNC-related condition; FLNC-related disorders.
Cardiovascular phenotype. Identifiers: MedGen CN230736.
Hypertrophic cardiomyopathy 26. Also called: Cardiomyopathy, familial hypertrophic, 26. Identifiers: Orphanet 75249, MedGen C4310749, MONDO:0014883, OMIM 617047.
Myofibrillar myopathy 5. Also called: FILAMINOPATHY, AUTOSOMAL DOMINANT; Filaminopathy (type). Identifiers: Orphanet 171445, MedGen C1836050, MONDO:0012289, OMIM 609524.
Distal myopathy with posterior leg and anterior hand involvement. Also called: WILLIAMS DISTAL MYOPATHY. Identifiers: Orphanet 63273, MedGen C3279722, MONDO:0013550, OMIM 614065.

Allele frequency attached by ClinVar (database versions not stated): gnomAD exomes below 0.00001 and 0.00002; ExAC 0.00003; gnomAD 0.00006; TOPMed 0.00006.
gnomAD v4.1: 16 of 1,614,080 alleles (0.00099%); highest among the groups gnomAD compares: African/African-American, 0.02%; no homozygotes.

Submissions (4):

PreventionGenetics, part of Exact Sciences
Classification: Likely benign for FLNC-related condition. Last evaluated: 2026-01-20. Review status: criteria provided, single submitter. Criteria: ACMG Guidelines, 2015. Collection method: clinical testing. Allele origin: germline.
Comment: This variant is classified as likely benign based on ACMG/AMP sequence variant interpretation guidelines (Richards et al. 2015 PMID: 25741868, with internal and published modifications).

Labcorp Genetics (formerly Invitae), Labcorp
Classification: Likely benign for Distal myopathy with posterior leg and anterior hand involvement; Myofibrillar myopathy 5; Hypertrophic cardiomyopathy 26. Last evaluated: 2025-11-13. Review status: criteria provided, single submitter. Criteria: Invitae Variant Classification Sherloc (09022015). Collection method: clinical testing. Allele origin: germline.

Ambry Genetics
Classification: Likely benign for Cardiovascular phenotype. Last evaluated: 2021-01-21. Review status: criteria provided, single submitter. Criteria: Ambry Variant Classification Scheme 2023. Collection method: clinical testing. Allele origin: germline.

GeneDx
Classification: Likely benign. Last evaluated: 2017-07-05. Review status: criteria provided, single submitter. Criteria: GeneDx Variant Classification (06012015). Collection method: clinical testing. Allele origin: germline. Affected: yes.
Comment: This variant is considered likely benign or benign based on one or more of the following criteria: it is a conservative change, it occurs at a poorly conserved position in the protein, it is predicted to be benign by multiple in silico algorithms, and/or has population frequency not consistent with disease.